The following is an entry in ClinVar:

NM_004863.4(SPTLC2):c.911G>A (p.Arg304Gln)

Gene: SPTLC2 (serine palmitoyltransferase long chain base subunit 2; minus strand). Cytogenetic location: 14q24.3.
Variant type: single nucleotide variant.
Coding change: c.911G>A on transcript NM_004863.4 (MANE Select); coding-DNA position 911, G replaced by A.
Protein change: p.Arg304Gln; replaces arginine 304 with glutamine.
Molecular consequence: missense variant.
Genome position (GRCh38, 1-based): chr14:77,557,086, C>T on the plus strand (G>A on the coding strand, the complement: SPTLC2 is on the minus strand). VCF-style: chr14-77557086-C-T. GRCh37 (hg19) VCF-style: chr14-78023429-C-T.
Other names: short protein forms R304Q.
Identifiers: ClinVar variation 648264 (VCV000648264.8), dbSNP rs761038205, ClinGen allele CA7289319.

ClinVar aggregate classification (germline): Uncertain significance (1 of 4 stars; one submission).

Conditions:
Neuropathy, hereditary sensory and autonomic, type 1C. Also called: HSAN IC; HSN IC. Identifiers: Orphanet 36386, MedGen C3150896, MONDO:0013337, OMIM 613640.

Allele frequency attached by ClinVar (database versions not stated): gnomAD 0.00001 and 0.00002; gnomAD exomes 0.00003 and 0.00006; TOPMed 0.00003; ExAC 0.00004.
gnomAD v4.1: 87 of 1,613,876 alleles (0.0054%); highest among the groups gnomAD compares: Middle Eastern, 0.016%; no homozygotes.

Submission:

Labcorp Genetics (formerly Invitae), Labcorp
Classification: Uncertain significance for Neuropathy, hereditary sensory and autonomic, type 1C. Last evaluated: 2024-10-03. Review status: criteria provided, single submitter. Criteria: Invitae Variant Classification Sherloc (09022015). Collection method: clinical testing. Allele origin: germline.
Comment: This sequence change replaces arginine, which is basic and polar, with glutamine, which is neutral and polar, at codon 304 of the SPTLC2 protein (p.Arg304Gln). This variant is present in population databases (rs761038205, gnomAD 0.01%). This variant has not been reported in the literature in individuals affected with SPTLC2-related conditions. ClinVar contains an entry for this variant (Variation ID: 648264). Invitae Evidence Modeling of protein sequence and biophysical properties (such as structural, functional, and spatial information, amino acid conservation, physicochemical variation, residue mobility, and thermodynamic stability) has been performed for this missense variant. However, the output from this modeling did not meet the statistical confidence thresholds required to predict the impact of this variant on SPTLC2 protein function. In summary, the available evidence is currently insufficient to determine the role of this variant in disease. Therefore, it has been classified as a Variant of Uncertain Significance.